The following is an entry in ClinVar:

NM_000231.3(SGCG):c.45A>G (p.Ile15Met)

Gene: SGCG (sarcoglycan gamma; plus strand). Cytogenetic location: 13q12.12.
Variant type: single nucleotide variant.
Coding change: c.45A>G on transcript NM_000231.3 (MANE Select); coding-DNA position 45, A replaced by G.
Protein change: p.Ile15Met; replaces isoleucine 15 with methionine.
Molecular consequence: missense variant.
Genome position (GRCh38, 1-based): chr13:23,203,739, A>G. VCF-style: chr13-23203739-A-G. GRCh37 (hg19) VCF-style: chr13-23777878-A-G.
Other names: c.99A>G, p.Ile33Met (NM_001378244.1); c.45A>G, p.Ile15Met (NM_001378245.1, NM_001378246.1); short protein forms I33M, I15M.
Identifiers: ClinVar variation 1438583 (VCV001438583.3), dbSNP rs2137501268, ClinGen allele CA387502357.

ClinVar aggregate classification (germline): Uncertain significance (1 of 4 stars; one submission).

Conditions:
Autosomal recessive limb-girdle muscular dystrophy type 2C (LGMDR5). Also called: MUSCULAR DYSTROPHY, DUCHENNE-LIKE; MUSCULAR DYSTROPHY, LIMB-GIRDLE, AUTOSOMAL RECESSIVE 5. Identifiers: Orphanet 353, MedGen C0410173, MONDO:0009677, OMIM 253700. Disease mechanism: Affects gamma-sarcoglycan and also disrupts the integrity of the entire sarcoglycan complex..

Allele frequency attached by ClinVar (database versions not stated): gnomAD exomes below 0.00001.
gnomAD v4.1: 1 of 1,613,972 alleles (0.000062%); highest among the groups gnomAD compares: Non-Finnish European, 0.000085%; no homozygotes.

Submission:

Labcorp Genetics (formerly Invitae), Labcorp
Classification: Uncertain significance for Autosomal recessive limb-girdle muscular dystrophy type 2C. Last evaluated: 2021-08-05. Review status: criteria provided, single submitter. Criteria: Invitae Variant Classification Sherloc (09022015). Collection method: clinical testing. Allele origin: germline.
Comment: This sequence change replaces isoleucine with methionine at codon 15 of the SGCG protein (p.Ile15Met). The isoleucine residue is weakly conserved and there is a small physicochemical difference between isoleucine and methionine. This variant is not present in population databases (ExAC no frequency). This variant has not been reported in the literature in individuals affected with SGCG-related conditions. Algorithms developed to predict the effect of missense changes on protein structure and function (SIFT, PolyPhen-2, Align-GVGD) all suggest that this variant is likely to be tolerated. In summary, the available evidence is currently insufficient to determine the role of this variant in disease. Therefore, it has been classified as a Variant of Uncertain Significance.